The following is an entry in ClinVar:

ClinVar aggregate classification (germline): Uncertain significance. Review status: criteria provided, multiple submitters, no conflicts (2 of 4 stars). 2 submissions from 2 submitters: Uncertain significance (2). Last evaluated 2025-08-12.

Conditions:
Ullrich congenital muscular dystrophy 2 (UCMD2). Identifiers: Orphanet 75840, MedGen C4225314, MONDO:0014654, OMIM 616470.
Bethlem myopathy 2 (BTHLM2). Identifiers: Orphanet 536516, Orphanet 610, MedGen C4225313, MONDO:0034022, OMIM 616471.

gnomAD v4.1: 5 of 1,613,970 alleles (0.00031%); highest among the groups gnomAD compares: Non-Finnish European, 0.00042%; no homozygotes.

Submissions (2):

Labcorp Genetics (formerly Invitae), Labcorp
Classification: Uncertain significance for Bethlem myopathy 2; Ullrich congenital muscular dystrophy 2. Last evaluated: 2025-08-12. Review status: criteria provided, single submitter. Criteria: Invitae Variant Classification Sherloc (09022015). Collection method: clinical testing. Allele origin: germline.
Comment: This sequence change replaces glutamic acid, which is acidic and polar, with lysine, which is basic and polar, at codon 1886 of the COL12A1 protein (p.Glu1886Lys). This variant is present in population databases (no rsID available, gnomAD 0.0009%). This variant has not been reported in the literature in individuals affected with COL12A1-related conditions. ClinVar contains an entry for this variant (Variation ID: 3769008). Invitae Evidence Modeling of protein sequence and biophysical properties (such as structural, functional, and spatial information, amino acid conservation, physicochemical variation, residue mobility, and thermodynamic stability) has been performed for this missense variant. However, the output from this modeling did not meet the statistical confidence thresholds required to predict the impact of this variant on COL12A1 protein function. In summary, the available evidence is currently insufficient to determine the role of this variant in disease. Therefore, it has been classified as a Variant of Uncertain Significance.

Women's Health and Genetics/Laboratory Corporation of America, LabCorp
Classification: Uncertain significance. Last evaluated: 2025-02-18. Review status: criteria provided, single submitter. Criteria: LabCorp Variant Classification Summary - May 2015. Collection method: clinical testing. Allele origin: germline.
Comment: Variant summary: COL12A1 c.5656G>A (p.Glu1886Lys) results in a conservative amino acid change in the encoded protein sequence. Three of five in-silico tools predict a damaging effect of the variant on protein function. The variant allele was found at a frequency of 4e-06 in 249080 control chromosomes (gnomAD). The available data on variant occurrences in the general population are insufficient to allow any conclusion about variant significance. To our knowledge, no occurrence of c.5656G>A in individuals affected with Ullrich congenital muscular dystrophy 2 and no experimental evidence demonstrating its impact on protein function have been reported. No submitters have cited clinical-significance assessments for this variant to ClinVar. Based on the evidence outlined above, the variant was classified as uncertain significance.

NM_004370.6(COL12A1):c.5656G>A (p.Glu1886Lys)

Gene: COL12A1 (collagen type XII alpha 1 chain; minus strand). Cytogenetic location: 6q13.
Variant type: single nucleotide variant.
Coding change: c.5656G>A on transcript NM_004370.6 (MANE Select); coding-DNA position 5656, G replaced by A.
Protein change: p.Glu1886Lys; replaces glutamic acid 1886 with lysine.
Molecular consequence: missense variant.
Genome position (GRCh38, 1-based): chr6:75,133,866, C>T on the plus strand (G>A on the coding strand, the complement: COL12A1 is on the minus strand). VCF-style: chr6-75133866-C-T. GRCh37 (hg19) VCF-style: chr6-75843582-C-T.
Other names: c.5656G>A, p.Glu1886Lys (NM_001424113.1); c.5635G>A, p.Glu1879Lys (NM_001424114.1); c.5383G>A, p.Glu1795Lys (NM_001424115.1); c.2164G>A, p.Glu722Lys (NM_001424116.1, NM_080645.3); short protein forms E1795K, E1879K, E1886K, E722K.
Identifiers: ClinVar variation 3769008 (VCV003769008.2).